The following is an entry in ClinVar:

ClinVar aggregate classification (germline): Uncertain significance. Review status: criteria provided, multiple submitters, no conflicts (2 of 4 stars). 2 submissions from 2 submitters: Uncertain significance (2). Last evaluated 2025-08-20.

Conditions:
Inborn genetic diseases. Identifiers: MedGen C0950123, MeSH D030342.

Allele frequency attached by ClinVar (database versions not stated): gnomAD 0.00001; gnomAD exomes 0.00001 and 0.00002; ExAC 0.00003; ESP Exome Variant Server 0.00012; TOPMed below 0.00001.
gnomAD v4.1: 18 of 1,612,368 alleles (0.0011%); highest among the groups gnomAD compares: African/African-American, 0.0013%; no homozygotes.

Submissions (2):

Ambry Genetics
Classification: Uncertain significance for Inborn genetic diseases. Last evaluated: 2025-08-20. Review status: criteria provided, single submitter. Criteria: Ambry Variant Classification Scheme 2023. Collection method: clinical testing. Allele origin: germline.

Labcorp Genetics (formerly Invitae), Labcorp
Classification: Uncertain significance. Last evaluated: 2024-12-09. Review status: criteria provided, single submitter. Criteria: Invitae Variant Classification Sherloc (09022015). Collection method: clinical testing. Allele origin: germline.
Comment: This sequence change replaces arginine, which is basic and polar, with histidine, which is basic and polar, at codon 606 of the SKIV2L protein (p.Arg606His). This variant is present in population databases (rs150251463, gnomAD 0.004%). This variant has not been reported in the literature in individuals affected with SKIV2L-related conditions. ClinVar contains an entry for this variant (Variation ID: 1392435). An algorithm developed to predict the effect of missense changes on protein structure and function (PolyPhen-2) suggests that this variant is likely to be disruptive. In summary, the available evidence is currently insufficient to determine the role of this variant in disease. Therefore, it has been classified as a Variant of Uncertain Significance.

NM_006929.5(SKIC2):c.1817G>A (p.Arg606His)

Gene: SKIC2 (SKI2 subunit of superkiller complex; plus strand). Cytogenetic location: 6p21.33.
Variant type: single nucleotide variant.
Coding change: c.1817G>A on transcript NM_006929.5 (MANE Select); coding-DNA position 1817, G replaced by A.
Protein change: p.Arg606His; replaces arginine 606 with histidine.
Molecular consequence: missense variant.
Genome position (GRCh38, 1-based): chr6:31,964,082, G>A. VCF-style: chr6-31964082-G-A. GRCh37 (hg19) VCF-style: chr6-31931859-G-A.
Other names: c.1817G>A (NM_006929.4); short protein forms R606H.
Identifiers: ClinVar variation 1392435 (VCV001392435.7), dbSNP rs150251463, ClinGen allele CA3729582.